The following is an entry in ClinVar:

NM_000059.4(BRCA2):c.6937+594T>G

Gene: BRCA2 (BRCA2 DNA repair associated; plus strand). Cytogenetic location: 13q13.1.
Variant type: single nucleotide variant.
Coding change: c.6937+594T>G on transcript NM_000059.4 (MANE Select); 594 bases into the intron after coding-DNA position 6937, T replaced by G.
Molecular consequence: intron variant.
Genome position (GRCh38, 1-based): chr13:32,345,247, T>G. VCF-style: chr13-32345247-T-G. GRCh37 (hg19) VCF-style: chr13-32919384-T-G.
Other names: IVS12+594 T>G.
Identifiers: ClinVar variation 89053 (VCV000089053.47), dbSNP rs191253965, ClinGen allele CA024582.

ClinVar aggregate classification (germline): Benign. Review status: reviewed by expert panel (3 of 4 stars). 13 submissions from 13 submitters: Benign (1). 12 of the submissions do not count toward it. Last evaluated 2016-09-28.

Conditions:
Hereditary cancer-predisposing syndrome. Also called: Hereditary Cancer Syndrome; Tumor predisposition; Neoplastic Syndromes, Hereditary; Hereditary neoplastic syndrome. Identifiers: Orphanet 140162, MedGen C0027672, MeSH D009386, MONDO:0015356.
Hereditary breast ovarian cancer syndrome. Also called: Breast and ovarian cancer; BRCA1- and BRCA2-Associated Hereditary Breast and Ovarian Cancer; Hereditary breast and ovarian cancer; Hereditary breast and ovarian cancer syndrome (HBOC); Hereditary breast and ovarian cancer syndrome; Hereditary breast and/or ovarian cancer syndrome. Identifiers: Orphanet 145, MedGen C0677776, MeSH D061325, MONDO:0003582. Disease mechanism: loss of function.
Breast-ovarian cancer, familial, susceptibility to, 2 (BROVCA2). Also called: BRCA2 Hereditary Breast and Ovarian Cancer. Identifiers: Orphanet 145, MedGen C2675520, MONDO:0012933, OMIM 612555. Disease mechanism: loss of function.

Allele frequency attached by ClinVar (database versions not stated): gnomAD 0.00094 and 0.00096; 1000 Genomes Project 0.00200; TOPMed 0.00210; 1000 Genomes Project 30x 0.00219.
gnomAD v4.1: 152 of 152,242 alleles (0.1%); highest among the groups gnomAD compares: Admixed American, 0.79%; 2 homozygotes.

Submissions (13):

Evidence-based Network for the Interpretation of Germline Mutant Alleles (ENIGMA)
Classification: Benign for Breast-ovarian cancer, familial, susceptibility to, 2. Last evaluated: 2016-09-28. Review status: reviewed by expert panel. Criteria: ENIGMA BRCA1/2 Classification Criteria (2015). Collection method: curation. Allele origin: germline.
Comment: Class 1 not pathogenic based on frequency >1% in an outbred sampleset. Frequency 0.0144 (Admixed American/Latino), derived from 1000 genomes (2013-05-02).

CeGaT Center for Human Genetics Tuebingen
Classification: Benign. Last evaluated: 2026-01-01. Review status: criteria provided, single submitter. Criteria: CeGaT Center For Human Genetics Tuebingen Variant Classification Criteria Version 2. Collection method: clinical testing. Allele origin: germline. Affected: yes. Observed: 7 variant alleles. Not counted in ClinVar's aggregate classification.
Comment: BRCA2: BS1, BS2

Labcorp Genetics (formerly Invitae), Labcorp
Classification: Benign for Hereditary breast ovarian cancer syndrome. Last evaluated: 2025-07-31. Review status: criteria provided, single submitter. Criteria: Invitae Variant Classification Sherloc (09022015). Collection method: clinical testing. Allele origin: germline. Not counted in ClinVar's aggregate classification.

Laboratorio de I+D, Fundación Centro Médico de Asturias
Classification: Benign for Hereditary cancer-predisposing syndrome. Last evaluated: 2025-07-09. Review status: criteria provided, single submitter. Criteria: ACMG Guidelines, 2015. Collection method: clinical testing. Allele origin: germline. Not counted in ClinVar's aggregate classification.
Comment: BS1+BS2+BP4_Strong

Quest Diagnostics Nichols Institute San Juan Capistrano
Classification: Benign. Last evaluated: 2021-11-24. Review status: criteria provided, single submitter. Criteria: Quest Diagnostics criteria. Collection method: clinical testing. Allele origin: unknown. Not counted in ClinVar's aggregate classification.

Sema4
Classification: Likely benign for Hereditary cancer-predisposing syndrome. Last evaluated: 2021-05-17. Review status: criteria provided, single submitter. Criteria: Sema4 Curation Guidelines. Collection method: curation. Allele origin: germline. Not counted in ClinVar's aggregate classification.

ARUP Laboratories, Molecular Genetics and Genomics, ARUP Laboratories
Classification: Likely benign. Last evaluated: 2021-04-06. Review status: criteria provided, single submitter. Criteria: ARUP Molecular Germline Variant Investigation Process 2021. Collection method: clinical testing. Allele origin: germline. Not counted in ClinVar's aggregate classification.

Genetic Services Laboratory, University of Chicago
Classification: Likely benign. Last evaluated: 2020-06-12. Review status: criteria provided, single submitter. Criteria: ACMG Guidelines, 2015. Collection method: clinical testing. Allele origin: germline. Affected: no. Not counted in ClinVar's aggregate classification.

Mendelics
Classification: Benign for Breast-ovarian cancer, familial, susceptibility to, 2. Last evaluated: 2019-05-28. Review status: criteria provided, single submitter. Criteria: Mendelics Assertion Criteria 2017. Collection method: clinical testing. Allele origin: unknown. Not counted in ClinVar's aggregate classification.

Ambry Genetics
Classification: Benign for Hereditary cancer-predisposing syndrome. Last evaluated: 2018-06-29. Review status: criteria provided, single submitter. Criteria: Ambry Variant Classification Scheme 2023. Collection method: clinical testing. Allele origin: germline. Not counted in ClinVar's aggregate classification.

GeneDx
Classification: Benign. Last evaluated: 2014-02-11. Review status: criteria provided, single submitter. Criteria: GeneDx Variant Classification (06012015). Collection method: clinical testing. Allele origin: germline. Affected: yes. Not counted in ClinVar's aggregate classification.
Comment: This variant is considered likely benign or benign based on one or more of the following criteria: it is a conservative change, it occurs at a poorly conserved position in the protein, it is predicted to be benign by multiple in silico algorithms, and/or has population frequency not consistent with disease.

Color Diagnostics, LLC DBA Color Health
Classification: Likely benign for Hereditary cancer-predisposing syndrome. Review status: criteria provided, single submitter. Criteria: ACMG Guidelines, 2015. Collection method: clinical testing. Allele origin: germline. Not counted in ClinVar's aggregate classification.

Counsyl
Classification: Likely benign for Breast-ovarian cancer, familial, susceptibility to, 2. Last evaluated: 2018-02-26. Review status: no assertion criteria provided. Collection method: clinical testing. Allele origin: unknown. Not counted in ClinVar's aggregate classification.

Literature cited by the submitters: PubMed 27273131 (cited by Quest Diagnostics Nichols Institute San Juan Capistrano); PubMed 19471317 (cited by Quest Diagnostics Nichols Institute San Juan Capistrano); PubMed 28179634 (cited by Quest Diagnostics Nichols Institute San Juan Capistrano); PubMed 29356578 (cited by Quest Diagnostics Nichols Institute San Juan Capistrano); PubMed 32576986 (cited by Quest Diagnostics Nichols Institute San Juan Capistrano); PubMed 29446198 (cited by Quest Diagnostics Nichols Institute San Juan Capistrano); PubMed 22762150 (cited by Quest Diagnostics Nichols Institute San Juan Capistrano); PubMed 22753590 (cited by 3 submitters); PubMed 26332594 (cited by Quest Diagnostics Nichols Institute San Juan Capistrano); PubMed 22869870 (cited by Quest Diagnostics Nichols Institute San Juan Capistrano and Ambry Genetics); PubMed 26295337 (cited by Quest Diagnostics Nichols Institute San Juan Capistrano); PubMed 24204383 (cited by Ambry Genetics).